The following is an entry in ClinVar:

ClinVar aggregate classification (germline): Likely benign (0 of 4 stars; one submission).

Conditions:
LRP1B-related disorder. Also called: LRP1B-related condition.

Allele frequency attached by ClinVar (database versions not stated): gnomAD 0.00001; TOPMed 0.00002; ExAC 0.00003; 1000 Genomes Project 30x 0.00016; 1000 Genomes Project 0.00020.
gnomAD v4.1: 43 of 1,613,498 alleles (0.0027%); highest among the groups gnomAD compares: Middle Eastern, 0.066%; 1 homozygote.

Submission:

PreventionGenetics, part of Exact Sciences
Classification: Likely benign for LRP1B-related condition. Last evaluated: 2019-03-14. Review status: no assertion criteria provided. Collection method: clinical testing. Allele origin: germline.
Comment: This variant is classified as likely benign based on ACMG/AMP sequence variant interpretation guidelines (Richards et al. 2015 PMID: 25741868, with internal and published modifications).

NM_018557.3(LRP1B):c.4476G>A (p.Leu1492=)

Gene: LRP1B (LDL receptor related protein 1B; minus strand). Cytogenetic location: 2q22.1.
Variant type: single nucleotide variant.
Coding change: c.4476G>A on transcript NM_018557.3 (MANE Select); coding-DNA position 4476, G replaced by A.
Protein change: p.Leu1492=; no amino-acid change (leucine 1492 retained).
Molecular consequence: synonymous variant.
Genome position (GRCh38, 1-based): chr2:140,867,693, C>T on the plus strand (G>A on the coding strand, the complement: LRP1B is on the minus strand). VCF-style: chr2-140867693-C-T. GRCh37 (hg19) VCF-style: chr2-141625262-C-T.
Identifiers: ClinVar variation 3058023 (VCV003058023.2), dbSNP rs200750929, ClinGen allele CA1895175.